The following is an entry in ClinVar:

NM_000780.4(CYP7A1):c.779G>T (p.Arg260Leu)

Gene: CYP7A1 (cytochrome P450 family 7 subfamily A member 1; minus strand). Cytogenetic location: 8q12.1.
Variant type: single nucleotide variant.
Coding change: c.779G>T on transcript NM_000780.4 (MANE Select); coding-DNA position 779, G replaced by T.
Protein change: p.Arg260Leu; replaces arginine 260 with leucine.
Molecular consequence: missense variant.
Genome position (GRCh38, 1-based): chr8:58,496,733, C>A on the plus strand (G>T on the coding strand, the complement: CYP7A1 is on the minus strand). VCF-style: chr8-58496733-C-A. GRCh37 (hg19) VCF-style: chr8-59409292-C-A.
Other names: c.779G>T (NM_000780.3); short protein forms R260L.
Identifiers: ClinVar variation 287359 (VCV000287359.12), dbSNP rs139396617, ClinGen allele CA4756737.

ClinVar aggregate classification (germline): Uncertain significance. Review status: criteria provided, multiple submitters, no conflicts (2 of 4 stars). 3 submissions from 3 submitters: Uncertain significance (3). Last evaluated 2026-02-05.

Conditions:
CYP7A1-related disorder. Also called: CYP7A1-related condition.

Allele frequency attached by ClinVar (database versions not stated): TOPMed 0.00045; gnomAD 0.00061; ESP Exome Variant Server 0.00062.
gnomAD v4.1: 639 of 1,614,044 alleles (0.04%); highest among the groups gnomAD compares: Non-Finnish European, 0.049%; no homozygotes.

Submissions (3):

PreventionGenetics, part of Exact Sciences
Classification: Uncertain significance for CYP7A1-related condition. Last evaluated: 2026-02-05. Review status: criteria provided, single submitter. Criteria: ACMG Guidelines, 2015. Collection method: clinical testing. Allele origin: germline.
Comment: The CYP7A1 c.779G>T variant is predicted to result in the amino acid substitution p.Arg260Leu. This variant has been reported to be associated with increased LDL cholesterol levels in a Danish population (Qayyum et al. 2018. PubMed ID: 29529257). This variant is reported in 0.092% of alleles in individuals of European (non-Finnish) descent in gnomAD. Although we suspect that this variant may be benign, at this time, the clinical significance of this variant is uncertain due to the absence of conclusive functional and genetic evidence.

Labcorp Genetics (formerly Invitae), Labcorp
Classification: Uncertain significance. Last evaluated: 2025-12-29. Review status: criteria provided, single submitter. Criteria: Invitae Variant Classification Sherloc (09022015). Collection method: clinical testing. Allele origin: germline.
Comment: This sequence change replaces arginine, which is basic and polar, with leucine, which is neutral and non-polar, at codon 260 of the CYP7A1 protein (p.Arg260Leu). This variant is present in population databases (rs139396617, gnomAD 0.1%), and has an allele count higher than expected for a pathogenic variant. This variant has not been reported in the literature in individuals affected with CYP7A1-related conditions. ClinVar contains an entry for this variant (Variation ID: 287359). Invitae Evidence Modeling of protein sequence and biophysical properties (such as structural, functional, and spatial information, amino acid conservation, physicochemical variation, residue mobility, and thermodynamic stability) indicates that this missense variant is not expected to disrupt CYP7A1 protein function with a negative predictive value of 80%. In summary, the available evidence is currently insufficient to determine the role of this variant in disease. Therefore, it has been classified as a Variant of Uncertain Significance.

Eurofins Ntd Llc (ga)
Classification: Uncertain significance. Last evaluated: 2018-05-01. Review status: criteria provided, single submitter. Criteria: EGL ClinVar v180209 classification definitions. Collection method: clinical testing. Allele origin: germline. Observed: 5 variant alleles, 5 heterozygotes.